The following is an entry in ClinVar:

NM_001164508.2(NEB):c.25049C>T (p.Thr8350Ile)

Genes: NEB (nebulin; minus strand), RIF1 (replication timing regulatory factor 1; plus strand). Cytogenetic location: 2q23.3.
Variant type: single nucleotide variant.
Coding change: c.25049C>T on transcript NM_001164508.2 (MANE Select); coding-DNA position 25049, C replaced by T.
Protein change: p.Thr8350Ile; replaces threonine 8350 with isoleucine.
Molecular consequence: missense variant.
Genome position (GRCh38, 1-based): chr2:151,492,106, G>A on the plus strand (C>T on the coding strand, the complement: NEB is on the minus strand). VCF-style: chr2-151492106-G-A. GRCh37 (hg19) VCF-style: chr2-152348620-G-A.
Other names: c.25049C>T, p.Thr8350Ile (NM_001164507.2); c.25154C>T, p.Thr8385Ile (NM_001271208.2); c.19481C>T, p.Thr6494Ile (NM_004543.5); short protein forms T6494I, T8350I, T8385I.
Identifiers: ClinVar variation 998478 (VCV000998478.8), dbSNP rs2057112732, ClinGen allele CA348773154.

ClinVar aggregate classification (germline): Uncertain significance (1 of 4 stars; one submission).

Conditions:
Nemaline myopathy 2 (NEM2). Also called: Nemaline myopathy 2, autosomal recessive. Identifiers: MedGen C1850569, MONDO:0009725, OMIM 256030.

Submission:

Labcorp Genetics (formerly Invitae), Labcorp
Classification: Uncertain significance for Nemaline myopathy 2. Last evaluated: 2022-06-13. Review status: criteria provided, single submitter. Criteria: Invitae Variant Classification Sherloc (09022015). Collection method: clinical testing. Allele origin: germline.
Comment: ClinVar contains an entry for this variant (Variation ID: 998478). In summary, the available evidence is currently insufficient to determine the role of this variant in disease. Therefore, it has been classified as a Variant of Uncertain Significance. Algorithms developed to predict the effect of missense changes on protein structure and function are either unavailable or do not agree on the potential impact of this missense change (SIFT: "Deleterious"; PolyPhen-2: "Not Available"; Align-GVGD: "Class C0"). This variant has not been reported in the literature in individuals affected with NEB-related conditions. This variant is not present in population databases (gnomAD no frequency). This sequence change replaces threonine, which is neutral and polar, with isoleucine, which is neutral and non-polar, at codon 8385 of the NEB protein (p.Thr8385Ile).